The following is an entry in ClinVar:

ClinVar aggregate classification (germline): Likely pathogenic (1 of 4 stars; one submission).

Conditions:
GNPTG-mucolipidosis. Also called: ML III GAMMA; ML IIIC; MUCOLIPIDOSIS III, COMPLEMENTATION GROUP C; MUCOLIPIDOSIS III, IRANIAN VARIANT FORM; MUCOLIPIDOSIS III, VARIANT FORM; Mucolipidosis type III gamma. Identifiers: Orphanet 423470, Orphanet 577, MedGen C1854896, MONDO:0009652, OMIM 252605.

Submission:

Myriad Genetics, Inc.
Classification: Likely pathogenic for GNPTG-mucolipidosis. Last evaluated: 2021-12-30. Review status: criteria provided, single submitter. Criteria: Myriad Women's Health Autosomal Recessive and X-Linked Classification Criteria (2021). Collection method: clinical testing. Allele origin: unknown.
Comment: NM_032520.4(GNPTG):c.237C>A(Y79*) is expected to be pathogenic in the context of mucolipidosis III gamma. This variant is predicted to lead to an abnormal or absent protein product due to the creation of a premature termination codon in GNPTG, a gene where loss-of-function variants are known to be pathogenic. Please note: this variant was assessed in the context of healthy population screening.

NM_032520.5(GNPTG):c.237C>A (p.Tyr79Ter)

Gene: GNPTG (N-acetylglucosamine-1-phosphate transferase subunit gamma; plus strand). Cytogenetic location: 16p13.3.
Variant type: single nucleotide variant.
Coding change: c.237C>A on transcript NM_032520.5 (MANE Select); coding-DNA position 237, C replaced by A.
Protein change: p.Tyr79Ter; replaces tyrosine 79 with a stop codon.
Molecular consequence: nonsense.
Genome position (GRCh38, 1-based): chr16:1,361,875, C>A. VCF-style: chr16-1361875-C-A. GRCh37 (hg19) VCF-style: chr16-1411876-C-A.
Other names: short protein forms Y79*.
Identifiers: ClinVar variation 1726675 (VCV001726675.2), dbSNP rs749952316, ClinGen allele CA394186739.